The following is an entry in ClinVar:

ClinVar aggregate classification (germline): Likely benign (1 of 4 stars; one submission).

Submission:

GeneDx
Classification: Likely benign. Last evaluated: 2023-11-14. Review status: criteria provided, single submitter. Criteria: GeneDx Variant Classification Process June 2021. Collection method: clinical testing. Allele origin: germline. Affected: yes.
Comment: See Variant Classification Assertion Criteria.

NM_005859.5(PURA):c.381C>A (p.Ser127Arg)

Genes: PURA (purine rich element binding protein A; plus strand), LOC129994826 (ATAC-STARR-seq lymphoblastoid active region 23260; plus strand). Cytogenetic location: 5q31.3.
Variant type: single nucleotide variant.
Coding change: c.381C>A on transcript NM_005859.5 (MANE Select); coding-DNA position 381, C replaced by A.
Protein change: p.Ser127Arg; replaces serine 127 with arginine.
Molecular consequence: missense variant.
Genome position (GRCh38, 1-based): chr5:140,114,562, C>A. VCF-style: chr5-140114562-C-A. GRCh37 (hg19) VCF-style: chr5-139494147-C-A.
Other names: short protein forms S127R.
Identifiers: ClinVar variation 1806705 (VCV001806705.2), dbSNP rs2479505038, ClinGen allele CA361490640.